The following is an entry in ClinVar:

ClinVar aggregate classification (germline): Uncertain significance (1 of 4 stars; one submission).

Allele frequency attached by ClinVar (database versions not stated): ExAC 0.00001; gnomAD 0.00001; gnomAD exomes 0.00001; TOPMed 0.00001.
gnomAD v4.1: 13 of 1,613,870 alleles (0.00081%); highest among the groups gnomAD compares: Non-Finnish European, 0.0011%; no homozygotes.

Submission:

Labcorp Genetics (formerly Invitae), Labcorp
Classification: Uncertain significance. Last evaluated: 2024-10-09. Review status: criteria provided, single submitter. Criteria: Invitae Variant Classification Sherloc (09022015). Collection method: clinical testing. Allele origin: germline.
Comment: This sequence change replaces histidine, which is basic and polar, with asparagine, which is neutral and polar, at codon 96 of the POLG2 protein (p.His96Asn). This variant is present in population databases (rs782357839, gnomAD 0.0009%). This variant has not been reported in the literature in individuals affected with POLG2-related conditions. An algorithm developed to predict the effect of missense changes on protein structure and function (PolyPhen-2) suggests that this variant is likely to be disruptive. In summary, the available evidence is currently insufficient to determine the role of this variant in disease. Therefore, it has been classified as a Variant of Uncertain Significance.

NM_007215.4(POLG2):c.286C>A (p.His96Asn)

Genes: POLG2 (DNA polymerase gamma 2, accessory subunit; minus strand), MILR1 (mast cell immunoglobulin like receptor 1; plus strand). Cytogenetic location: 17q23.3.
Variant type: single nucleotide variant.
Coding change: c.286C>A on transcript NM_007215.4 (MANE Select); coding-DNA position 286, C replaced by A.
Protein change: p.His96Asn; replaces histidine 96 with asparagine.
Molecular consequence: missense variant.
Genome position (GRCh38, 1-based): chr17:64,496,683, G>T on the plus strand (C>A on the coding strand, the complement: POLG2 is on the minus strand). VCF-style: chr17-64496683-G-T. GRCh37 (hg19) VCF-style: chr17-62492801-G-T.
Other names: short protein forms H96N.
Identifiers: ClinVar variation 2992918 (VCV002992918.3), dbSNP rs782357839, ClinGen allele CA8713063.
Genomic context (GRCh38, chr17:64,496,683, plus strand): 5'-TCCACCATTCTGCGGCCAGGTTCTTCCGCAACTCTACGCCCAAGGGTCCGAAGCCGGGGT[G>T]GCACCCACTCAGAAGAGAATCCCGGCTAAGCTGCTGCTTGCTTCCACTTAGGAAATGCCT-3'
Protein context (NP_009146.2, residues 86-106): LSRDSLLSGC[His96Asn]PGFGPLGVEL